The following is an entry in ClinVar:

NM_001430.5(EPAS1):c.1327A>T (p.Arg443Trp)

Gene: EPAS1 (endothelial PAS domain protein 1; plus strand). Cytogenetic location: 2p21.
Variant type: single nucleotide variant.
Coding change: c.1327A>T on transcript NM_001430.5 (MANE Select); coding-DNA position 1327, A replaced by T.
Protein change: p.Arg443Trp; replaces arginine 443 with tryptophan.
Molecular consequence: missense variant.
Genome position (GRCh38, 1-based): chr2:46,377,971, A>T. VCF-style: chr2-46377971-A-T. GRCh37 (hg19) VCF-style: chr2-46605110-A-T.
Other names: short protein forms R443W.
Identifiers: ClinVar variation 2565042 (VCV002565042.2), dbSNP rs1302100921, ClinGen allele CA346703824.
Genomic context (GRCh38, chr2:46,377,971, plus strand): 5'-GAGTCCTCAGCCTATGGCAAGGCCATCCTGCCCCCGAGCCAGCCATGGGCCACGGAGTTG[A>T]GGAGCCACAGCACCCAGAGCGAGGCTGGGAGCCTGCCTGCCTTCACCGTGCCCCAGGCAG-3'
Protein context (NP_001421.2, residues 433-453): PPSQPWATEL[Arg443Trp]SHSTQSEAGS

ClinVar aggregate classification (germline): Uncertain significance (1 of 4 stars; one submission).

Conditions:
Inborn genetic diseases. Identifiers: MedGen C0950123, MeSH D030342.

Submission:

Ambry Genetics
Classification: Uncertain significance for Inborn genetic diseases. Last evaluated: 2023-03-25. Review status: criteria provided, single submitter. Criteria: Ambry Variant Classification Scheme 2023. Collection method: clinical testing. Allele origin: germline.
Comment: The p.R443W variant (also known as c.1327A>T), located in coding exon 10 of the EPAS1 gene, results from an A to T substitution at nucleotide position 1327. The arginine at codon 443 is replaced by tryptophan, an amino acid with dissimilar properties. This amino acid position is conserved. In addition, this alteration is predicted to be tolerated by in silico analysis. Since supporting evidence is limited at this time, the clinical significance of this alteration remains unclear.